The following is an entry in ClinVar:

NM_206933.4(USH2A):c.1841-377A>G

Gene: USH2A (usherin; minus strand). Cytogenetic location: 1q41.
Variant type: single nucleotide variant.
Coding change: c.1841-377A>G on transcript NM_206933.4 (MANE Select); 377 bases into the intron before coding-DNA position 1841, A replaced by G.
Molecular consequence: intron variant.
Genome position (GRCh38, 1-based): chr1:216,289,787, T>C on the plus strand (A>G on the coding strand, the complement: USH2A is on the minus strand). VCF-style: chr1-216289787-T-C. GRCh37 (hg19) VCF-style: chr1-216463129-T-C.
Other names: c.1841-377A>G (NM_007123.6).
Identifiers: ClinVar variation 2664993 (VCV002664993.2), dbSNP rs2036965765, ClinGen allele CA1012223745.
Genomic context (GRCh38, chr1:216,289,787, plus strand): 5'-CACTTTATCTAAACTCAATACAGCAGGAGAAATTTCTACATATGTGGTAGATGATACTTA[T>C]ACAGTAAGAAGCAAGCAGGTATGTAGTATTGGAAATATTTTTCTAGAACTCAATCATGTA-3'

ClinVar aggregate classification (germline): Uncertain significance (1 of 4 stars; one submission).

Conditions:
Usher syndrome type 2A. Also called: RETINAL DISEASE IN USHER SYNDROME TYPE IIA, MODIFIER OF; USHER SYNDROME, TYPE IIA. Identifiers: Orphanet 231178, Orphanet 886, MedGen C1848634, MONDO:0010169, OMIM 276901.

Allele frequency attached by ClinVar (database versions not stated): gnomAD 0.00001; TOPMed 0.00001.
gnomAD v4.1: 1 of 152,156 alleles (0.00066%); highest among the groups gnomAD compares: Non-Finnish European, 0.0015%; no homozygotes.

Submission:

Institute of Human Genetics, University of Leipzig Medical Center
Classification: Uncertain significance for Usher syndrome type 2A. Last evaluated: 2023-11-23. Review status: criteria provided, single submitter. Criteria: ACMG Guidelines, 2015. Collection method: clinical testing. Allele origin: unknown. Inheritance: Autosomal recessive inheritance. Affected: yes.
Comment: Criteria applied: PM2_SUP, PS3_SUP, PM3_SUP; VUS, with partial splicing effect (see PMID: 36785559) in patient with Usher Syndrome